The following is an entry in ClinVar:

ClinVar aggregate classification (germline): Likely pathogenic (1 of 4 stars; one submission).

Conditions:
Autosomal recessive nonsyndromic hearing loss 18B. Also called: Deafness, autosomal recessive 18b. Identifiers: Orphanet 90636, MedGen C3554163, MONDO:0013985, OMIM 614945.

Submission:

Juno Genomics, Hangzhou Juno Genomics, Inc
Classification: Likely pathogenic for Autosomal recessive nonsyndromic hearing loss 18B. Review status: criteria provided, single submitter. Criteria: ACMG Guidelines, 2015. Collection method: clinical testing. Allele origin: germline.
Comment: Null variant in a gene where loss of function (LOF) is a known mechanism of disease.;Absent from controls (or at extremely low frequency if recessive) in Genome Aggregation Database.

NM_001292063.2(OTOG):c.5002_5006del (p.Leu1668fs)

Gene: OTOG (otogelin; plus strand). Cytogenetic location: 11p15.1.
Variant type: Deletion.
Coding change: c.5002_5006del on transcript NM_001292063.2 (MANE Select); coding-DNA positions 5002 to 5006, 5 bases deleted (CTGAC; older notation c.5002_5006delCTGAC).
Protein change: p.Leu1668fs; shifts the reading frame from leucine 1668.
Molecular consequence: frameshift variant.
Genome position (GRCh38, 1-based): chr11:17,610,302-17,610,306, CTGAC deleted. VCF-style (leftmost placement, unchanged base first): chr11-17610301-GCTGAC-G. GRCh37 (hg19) VCF-style: chr11-17631848-GCTGAC-G.
Other names: c.5038_5042del, p.Leu1680fs (NM_001277269.2); short protein forms L1668fs, L1680fs.
Identifiers: ClinVar variation 5007842 (VCV005007842.2).
Genomic context (GRCh38, chr11:17,610,301, plus strand): 5'-TGTGGCTTCCCCTGGAGCCATCTCCAGGTCCCCCACCTCCTCGGGATCCCACAAGGCTGT[GCTGAC>G]ACCTGCAGTAACTAAGGTCATAAGCAGGACAGGGGTCCCCCAGCCCACCCAGGCCCAGAG-3'